The following is an entry in ClinVar:

ClinVar aggregate classification (germline): Benign/Likely benign. Review status: criteria provided, multiple submitters, no conflicts (2 of 4 stars). 10 submissions from 10 submitters: Benign (7); Likely benign (3). Last evaluated 2026-01-28.

Conditions:
Tuberous sclerosis 2 (TSC2). Identifiers: Orphanet 805, MedGen C1860707, MONDO:0013199, OMIM 613254.
Lymphangiomyomatosis (LAM). Also called: Lymphangioleiomyomatosis, somatic; Lymphangioleiomyomatosis. Identifiers: Orphanet 538, MedGen C0751674, MONDO:0011705, OMIM 606690.
Isolated focal cortical dysplasia type II (FCORD2). Also called: CORTICAL DYSPLASIA OF TAYLOR; Focal cortical dysplasia type II. Identifiers: Orphanet 268994, MedGen C1846385, MONDO:0011818, OMIM 607341, HP:0032051.
Tuberous sclerosis syndrome (TSC). Also called: Tuberous Sclerosis Complex; Tuberous sclerosis. Identifiers: Orphanet 805, MedGen C0041341, MONDO:0001734.
Polycystic kidney disease, adult type (PKD1). Also called: POLYCYSTIC KIDNEY DISEASE 1 WITH OR WITHOUT POLYCYSTIC LIVER DISEASE; POLYCYSTIC KIDNEY DISEASE, ADULT, TYPE I; Polycystic Kidney, Autosomal Dominant; Polycystic Kidney Disease 1, Autosomal Dominant; Polycystic kidney disease 1; Polycystic kidney disease 1, severe. Identifiers: MedGen C3149841, MONDO:0008263, OMIM 173900.

Allele frequency attached by ClinVar (database versions not stated): gnomAD 0.00002 and 0.00005; TOPMed 0.00007; gnomAD exomes 0.00008 and 0.00011; ExAC 0.00013.
gnomAD v4.1: 168 of 1,612,794 alleles (0.01%); highest among the groups gnomAD compares: East Asian, 0.2%; no homozygotes.

Submissions (10):

Labcorp Genetics (formerly Invitae), Labcorp
Classification: Benign for Tuberous sclerosis 2. Last evaluated: 2026-01-28. Review status: criteria provided, single submitter. Criteria: Invitae Variant Classification Sherloc (09022015). Collection method: clinical testing. Allele origin: germline.

Myriad Genetics, Inc.
Classification: Benign for Tuberous sclerosis 2. Last evaluated: 2025-06-06. Review status: criteria provided, single submitter. Criteria: Myriad Autosomal Dominant, Autosomal Recessive and X-Linked Classification Criteria (2023). Collection method: clinical testing. Allele origin: unknown.
Comment: This variant is considered benign. This variant is intronic and is not expected to impact mRNA splicing. This variant has been observed at a population frequency that is significantly greater than expected given the associated disease prevalence and penetrance.

KCCC/NGS Laboratory, Kuwait Cancer Control Center
Classification: Benign for Polycystic kidney disease, adult type. Last evaluated: 2025-02-01. Review status: criteria provided, single submitter. Criteria: ACMG Guidelines, 2015. Collection method: clinical testing. Allele origin: germline. Affected: no.

Blueprint Genetics
Classification: Likely benign. Last evaluated: 2024-09-12. Review status: criteria provided, single submitter. Criteria: ACMG Guidelines, 2015. Collection method: clinical testing. Allele origin: germline.

All of Us Research Program, National Institutes of Health
Classification: Benign for Tuberous sclerosis syndrome. Last evaluated: 2023-12-13. Review status: criteria provided, single submitter. Criteria: ACMG Guidelines, 2015. Collection method: clinical testing. Allele origin: germline. Inheritance: Autosomal dominant inheritance. Observed: 16 variant alleles, 16 heterozygotes.
Comment: This study involves interpretation of variants in research participants for the purpose of population health screening. Participant phenotype was not available at the time of variant classification. Additional details can be found in publication PMID: 35346344, PMCID: PMC8962531

Color Diagnostics, LLC DBA Color Health
Classification: Benign for Tuberous sclerosis syndrome. Last evaluated: 2022-11-23. Review status: criteria provided, single submitter. Criteria: ACMG Guidelines, 2015. Collection method: clinical testing. Allele origin: germline.

Fulgent Genetics
Classification: Likely benign for Lymphangiomyomatosis; Isolated focal cortical dysplasia type II; Tuberous sclerosis 2. Last evaluated: 2021-12-21. Review status: criteria provided, single submitter. Criteria: ACMG Guidelines, 2015. Collection method: clinical testing. Allele origin: unknown.

Genome-Nilou Lab
Classification: Benign for Tuberous sclerosis 2. Last evaluated: 2021-11-07. Review status: criteria provided, single submitter. Criteria: ACMG Guidelines, 2015. Collection method: clinical testing. Allele origin: germline. Affected: no.

Laboratory for Molecular Medicine, Mass General Brigham Personalized Medicine
Classification: Likely benign. Last evaluated: 2016-06-07. Review status: criteria provided, single submitter. Criteria: LMM Criteria. Collection method: clinical testing. Allele origin: germline. Observed: 1 variant allele.
Comment: c.5260-12C>T in intron 41 of TSC2: This variant is not expected to have clinical significance because a C>T change at this position does not diverge from the sp lice consensus sequence and is therefore unlikely to impact splicing. It has bee n identified in 12/8606 East Asian chromosomes by the Exome Aggregation Consorti um (ExAC; dbSNP rs769264472).

GeneDx
Classification: Benign. Last evaluated: 2014-09-15. Review status: criteria provided, single submitter. Criteria: GeneDx Variant Classification (06012015). Collection method: clinical testing. Allele origin: germline. Affected: yes.
Comment: This variant is considered likely benign or benign based on one or more of the following criteria: it is a conservative change, it occurs at a poorly conserved position in the protein, it is predicted to be benign by multiple in silico algorithms, and/or has population frequency not consistent with disease.

NM_000548.5(TSC2):c.5260-12C>T

Genes: PKD1 (polycystin 1, transient receptor potential channel interacting; minus strand), TSC2 (TSC complex subunit 2; plus strand). Cytogenetic location: 16p13.3.
Variant type: single nucleotide variant.
Coding change: c.5260-12C>T on transcript NM_000548.5 (MANE Select); 12 bases into the intron before coding-DNA position 5260, C replaced by T.
Molecular consequence: intron variant.
Genome position (GRCh38, 1-based): chr16:2,088,434, C>T. VCF-style: chr16-2088434-C-T. GRCh37 (hg19) VCF-style: chr16-2138435-C-T.
Other names: c.5260-12C>T (NM_000548.4); c.5191-12C>T (NM_001114382.3); c.5131-12C>T (NM_021055.3); c.5119-12C>T (NM_001370405.1); c.5062-12C>T (NM_001363528.2); c.5128-12C>T (NM_001370404.1); c.5059-12C>T (NM_001077183.3); c.4951-12C>T (NM_001318827.2); and 3 more.
Identifiers: ClinVar variation 207695 (VCV000207695.21), dbSNP rs769264472, ClinGen allele CA054715.
Genomic context (GRCh38, chr16:2,088,434, plus strand): 5'-GTGGGGCGGGTGTGTGGGCAGAGCGGTTGCCACGCCTCCCAGACTTACTGCCCAAGCCGC[C>T]TCTGCCTTCAGATCTGCGAGGAAGCCGCCTACTCCAACCCCAGCCTACCTCTGGTGCACC-3'